The following is an entry in ClinVar:

ClinVar aggregate classification (germline): Pathogenic. Review status: criteria provided, multiple submitters, no conflicts (2 of 4 stars). 2 submissions from 2 submitters: Pathogenic (2). Last evaluated 2023-10-22.

Conditions:
Werner syndrome (WRN). Identifiers: Orphanet 902, MedGen C0043119, MONDO:0010196, OMIM 277700.

Submissions (2):

Labcorp Genetics (formerly Invitae), Labcorp
Classification: Pathogenic for Werner syndrome. Last evaluated: 2023-10-22. Review status: criteria provided, single submitter. Criteria: Invitae Variant Classification Sherloc (09022015). Collection method: clinical testing. Allele origin: germline.
Comment: This sequence change creates a premature translational stop signal (p.Leu601Aspfs*9) in the WRN gene. It is expected to result in an absent or disrupted protein product. Loss-of-function variants in WRN are known to be pathogenic (PMID: 16673358). This variant is not present in population databases (gnomAD no frequency). This premature translational stop signal has been observed in individual(s) with Werner syndrome (PMID: 16673358). This variant is also known as c.1799_1800delCT. For these reasons, this variant has been classified as Pathogenic.

Baylor Genetics
Classification: Pathogenic for Werner syndrome. Last evaluated: 2023-09-07. Review status: criteria provided, single submitter. Criteria: ACMG Guidelines, 2015. Collection method: clinical testing. Allele origin: unknown.

Literature cited by the submitters: PubMed 16673358 (cited by Labcorp Genetics (formerly Invitae), Labcorp).

NM_000553.6(WRN):c.1801_1802del (p.Leu601fs)

Gene: WRN (WRN RecQ like helicase; plus strand). Cytogenetic location: 8p12.
Variant type: Microsatellite.
Coding change: c.1801_1802del on transcript NM_000553.6 (MANE Select); coding-DNA positions 1801 to 1802, 2 bases deleted (CT; older notation c.1801_1802delCT).
Protein change: p.Leu601fs; shifts the reading frame from leucine 601.
Molecular consequence: frameshift variant.
Genome position (GRCh38, 1-based): chr8:31,090,914-31,090,915, CT deleted; deleting any 2 consecutive bases within chr8:31,090,911-31,090,915 gives the same sequence; the c. name uses the placement nearest the transcript's 3' end. VCF-style (leftmost placement, unchanged base first): chr8-31090910-TTC-T. GRCh37 (hg19) VCF-style: chr8-30948426-TTC-T.
Other names: short protein forms L601fs.
Identifiers: ClinVar variation 2679588 (VCV002679588.4), dbSNP rs2535931724, ClinGen allele CA2579137721.